The following is an entry in ClinVar:

ClinVar aggregate classification (germline): Uncertain significance (1 of 4 stars; one submission).

Conditions:
Congenital stationary night blindness 1G. Identifiers: Orphanet 215, MedGen C4225345, MONDO:0014614, OMIM 616389.

Submission:

OLLIN Analises Genomicas, OLLIN
Classification: Uncertain significance for Congenital stationary night blindness 1G. Last evaluated: 2026-08-06. Review status: criteria provided, single submitter. Criteria: ACMG Guidelines 2015 PMID 25741868. Collection method: clinical testing. Allele origin: germline.
Comment: This missense variant, located in exon 2 (of 9), is absent from gnomAD and ClinVar and has not been identified in the literature. In silico analysis predicts that this variant has a deleterious effect. According to the currently available evidence, this variant has been classified as uncertain significance (PM2_P, PP3_M).

NM_144499.3(GNAT1):c.144G>C (p.Gln48His)

Gene: GNAT1 (G protein subunit alpha transducin 1; plus strand). Cytogenetic location: 3p21.31.
Variant type: single nucleotide variant.
Coding change: c.144G>C on transcript NM_144499.3 (MANE Select); coding-DNA position 144, G replaced by C.
Protein change: p.Gln48His; replaces glutamine 48 with histidine.
Molecular consequence: missense variant.
Genome position (GRCh38, 1-based): chr3:50,193,170, G>C. VCF-style: chr3-50193170-G-C. GRCh37 (hg19) VCF-style: chr3-50230603-G-C.
Other names: c.144G>C, p.Gln48His (NM_000172.4); short protein forms Q48H.
Identifiers: ClinVar variation 5003109 (VCV005003109.1).